The following is an entry in ClinVar:

NM_000501.4(ELN):c.1787-4G>A

Gene: ELN (elastin; plus strand). Cytogenetic location: 7q11.23.
Variant type: single nucleotide variant.
Coding change: c.1787-4G>A on transcript NM_000501.4 (MANE Select); 4 bases into the intron before coding-DNA position 1787, G replaced by A.
Molecular consequence: intron variant.
Genome position (GRCh38, 1-based): chr7:74,063,149, G>A. VCF-style: chr7-74063149-G-A. GRCh37 (hg19) VCF-style: chr7-73477479-G-A.
Other names: c.1802-4G>A (NM_001081754.3); c.1745-4G>A (NM_001081753.3); c.1973-4G>A (NM_001278939.2); c.1805-4G>A (NM_001278915.2); c.1787-4G>A (NM_001278912.2); c.1730-4G>A (NM_001081755.3); c.1643-4G>A (NM_001278916.2); c.1544-4G>A (NM_001278913.2); and 4 more.
Identifiers: ClinVar variation 2043773 (VCV002043773.29), dbSNP rs201048127, ClinGen allele CA4293235.
Genomic context (GRCh38, chr7:74,063,149, plus strand): 5'-TCCCTGGGGCAGGGAGACCCATCGTTCAGAAATGGAACACTCATTTTCCCTCCTCTCCCC[G>A]CAGGAGCAGCAGTGCCTGGGGTCCTTGGAGGGCTCGGGGCTCTCGGTGGAGTAGGCATCC-3'

ClinVar aggregate classification (germline): Likely benign. Review status: criteria provided, multiple submitters, no conflicts (2 of 4 stars). 2 submissions from 2 submitters: Likely benign (2). Last evaluated 2024-06-16.

Conditions:
Supravalvar aortic stenosis (SVAS). Also called: Supravalvar aortic stenosis, Eisenberg type. Identifiers: Orphanet 3193, MedGen C0003499, MONDO:0008504, OMIM 185500, HP:0004381.

Allele frequency attached by ClinVar (database versions not stated): TOPMed 0.00002; gnomAD 0.00003; ExAC 0.00012.
gnomAD v4.1: 37 of 1,603,774 alleles (0.0023%); highest among the groups gnomAD compares: Middle Eastern, 0.033%; no homozygotes.

Submissions (2):

Labcorp Genetics (formerly Invitae), Labcorp
Classification: Likely benign for Supravalvar aortic stenosis. Last evaluated: 2024-06-16. Review status: criteria provided, single submitter. Criteria: Invitae Variant Classification Sherloc (09022015). Collection method: clinical testing. Allele origin: germline.

CeGaT Center for Human Genetics Tuebingen
Classification: Likely benign. Last evaluated: 2023-09-01. Review status: criteria provided, single submitter. Criteria: CeGaT Center For Human Genetics Tuebingen Variant Classification Criteria Version 2. Collection method: clinical testing. Allele origin: germline. Affected: yes. Observed: 1 variant allele.
Comment: ELN: BP4, BS1